The following is an entry in ClinVar:

NM_015404.4(WHRN):c.737C>T (p.Pro246Leu)

Gene: WHRN (whirlin; minus strand). Cytogenetic location: 9q32.
Variant type: single nucleotide variant.
Coding change: c.737C>T on transcript NM_015404.4 (MANE Select); coding-DNA position 737, C replaced by T.
Protein change: p.Pro246Leu; replaces proline 246 with leucine.
Molecular consequence: missense variant. On other transcripts: 5 prime UTR variant (1).
Genome position (GRCh38, 1-based): chr9:114,478,653, G>A on the plus strand (C>T on the coding strand, the complement: WHRN is on the minus strand). VCF-style: chr9-114478653-G-A. GRCh37 (hg19) VCF-style: chr9-117240933-G-A.
Other names: c.-413C>T (NM_001083885.3); c.737C>T, p.Pro246Leu (NM_001173425.2); short protein forms P246L.
Identifiers: ClinVar variation 1462539 (VCV001462539.6), dbSNP rs1841857897, ClinGen allele CA374621909.

ClinVar aggregate classification (germline): Uncertain significance (1 of 4 stars; one submission).

Allele frequency attached by ClinVar (database versions not stated): gnomAD exomes below 0.00001.
gnomAD v4.1: 2 of 1,613,620 alleles (0.00012%); highest among the groups gnomAD compares: Non-Finnish European, 0.00017%; no homozygotes.

Submission:

Labcorp Genetics (formerly Invitae), Labcorp
Classification: Uncertain significance. Last evaluated: 2024-05-20. Review status: criteria provided, single submitter. Criteria: Invitae Variant Classification Sherloc (09022015). Collection method: clinical testing. Allele origin: germline.
Comment: This sequence change replaces proline, which is neutral and non-polar, with leucine, which is neutral and non-polar, at codon 246 of the WHRN protein (p.Pro246Leu). This variant is not present in population databases (gnomAD no frequency). This variant has not been reported in the literature in individuals affected with WHRN-related conditions. ClinVar contains an entry for this variant (Variation ID: 1462539). An algorithm developed to predict the effect of missense changes on protein structure and function (PolyPhen-2) suggests that this variant is likely to be disruptive. In summary, the available evidence is currently insufficient to determine the role of this variant in disease. Therefore, it has been classified as a Variant of Uncertain Significance.